The following is an entry in ClinVar:

ClinVar aggregate classification (germline): Uncertain significance (1 of 4 stars; one submission).

Submission:

Labcorp Genetics (formerly Invitae), Labcorp
Classification: Uncertain significance. Last evaluated: 2022-04-24. Review status: criteria provided, single submitter. Criteria: Invitae Variant Classification Sherloc (09022015). Collection method: clinical testing. Allele origin: germline.
Comment: Algorithms developed to predict the effect of missense changes on protein structure and function output the following: SIFT: "Tolerated"; PolyPhen-2: "Benign"; Align-GVGD: "Class C0". The asparagine amino acid residue is found in multiple mammalian species, which suggests that this missense change does not adversely affect protein function. This variant has not been reported in the literature in individuals affected with LRAT-related conditions. This variant is not present in population databases (gnomAD no frequency). This sequence change replaces aspartic acid, which is acidic and polar, with asparagine, which is neutral and polar, at codon 84 of the LRAT protein (p.Asp84Asn). In summary, the available evidence is currently insufficient to determine the role of this variant in disease. Therefore, it has been classified as a Variant of Uncertain Significance.

NM_004744.5(LRAT):c.250G>A (p.Asp84Asn)

Gene: LRAT (lecithin retinol acyltransferase; plus strand). Cytogenetic location: 4q32.1.
Variant type: single nucleotide variant.
Coding change: c.250G>A on transcript NM_004744.5 (MANE Select); coding-DNA position 250, G replaced by A.
Protein change: p.Asp84Asn; replaces aspartic acid 84 with asparagine.
Molecular consequence: missense variant.
Genome position (GRCh38, 1-based): chr4:154,744,576, G>A. VCF-style: chr4-154744576-G-A. GRCh37 (hg19) VCF-style: chr4-155665728-G-A.
Other names: c.250G>A, p.Asp84Asn (NM_001301645.2); short protein forms D84N.
Identifiers: ClinVar variation 2130067 (VCV002130067.4), dbSNP rs1306013714, ClinGen allele CA358630294.